The following is an entry in ClinVar:

NM_000545.8(HNF1A):c.848T>C (p.Met283Thr)

Gene: HNF1A (HNF1 homeobox A; plus strand). Cytogenetic location: 12q24.31.
Variant type: single nucleotide variant.
Coding change: c.848T>C on transcript NM_000545.8 (MANE Select); coding-DNA position 848, T replaced by C.
Protein change: p.Met283Thr; replaces methionine 283 with threonine.
Molecular consequence: missense variant.
Genome position (GRCh38, 1-based): chr12:120,994,298, T>C. VCF-style: chr12-120994298-T-C. GRCh37 (hg19) VCF-style: chr12-121432101-T-C.
Other names: c.848T>C, p.Met283Thr (NM_001306179.2, NM_001406915.1); short protein forms M283T.
Identifiers: ClinVar variation 3600611 (VCV003600611.2).

ClinVar aggregate classification (germline): Uncertain significance (1 of 4 stars; one submission).

Submission:

GeneDx
Classification: Uncertain significance. Last evaluated: 2025-06-03. Review status: criteria provided, single submitter. Criteria: GeneDx Variant Classification Process June 2021. Collection method: clinical testing. Allele origin: germline. Affected: yes.
Comment: Not observed at significant frequency in large population cohorts (gnomAD); In silico analysis supports that this missense variant has a deleterious effect on protein structure/function; This variant is associated with the following publications: (PMID: 21224407, 36613572, 23348805)